The following is an entry in ClinVar:

NM_006231.4(POLE):c.1021-15G>A

Gene: POLE (DNA polymerase epsilon, catalytic subunit; minus strand). Cytogenetic location: 12q24.33.
Variant type: single nucleotide variant.
Coding change: c.1021-15G>A on transcript NM_006231.4 (MANE Select); 15 bases into the intron before coding-DNA position 1021, G replaced by A.
Molecular consequence: intron variant.
Genome position (GRCh38, 1-based): chr12:132,675,835, C>T on the plus strand (G>A on the coding strand, the complement: POLE is on the minus strand). VCF-style: chr12-132675835-C-T. GRCh37 (hg19) VCF-style: chr12-133252421-C-T.
Identifiers: ClinVar variation 2800554 (VCV002800554.4), dbSNP rs1045931688, ClinGen allele CA246298538.

ClinVar aggregate classification (germline): Likely benign. Review status: criteria provided, multiple submitters, no conflicts (2 of 4 stars). 2 submissions from 2 submitters: Likely benign (2). Last evaluated 2025-02-10.

Conditions:
Colorectal cancer, susceptibility to, 12 (CRCS12). Also called: COLORECTAL CANCER, SUSCEPTIBILITY TO, ON CHROMOSOME 12q24. Identifiers: MedGen C3554460, MONDO:0014038, OMIM 615083, Orphanet 220460.

Allele frequency attached by ClinVar (database versions not stated): TOPMed below 0.00001.

Submissions (2):

Myriad Genetics, Inc.
Classification: Likely benign for Colorectal cancer, susceptibility to, 12. Last evaluated: 2025-02-10. Review status: criteria provided, single submitter. Criteria: Myriad Autosomal Dominant, Autosomal Recessive and X-Linked Classification Criteria (2023). Collection method: clinical testing. Allele origin: unknown.
Comment: This variant is considered likely benign. This variant is intronic and is not expected to impact mRNA splicing.

Labcorp Genetics (formerly Invitae), Labcorp
Classification: Likely benign. Last evaluated: 2023-06-14. Review status: criteria provided, single submitter. Criteria: Invitae Variant Classification Sherloc (09022015). Collection method: clinical testing. Allele origin: germline.